The following is an entry in ClinVar:

ClinVar aggregate classification (germline): Uncertain significance (1 of 4 stars; one submission).

Allele frequency attached by ClinVar (database versions not stated): gnomAD 0.00002; TOPMed 0.00002.
gnomAD v4.1: 7 of 1,612,138 alleles (0.00043%); highest among the groups gnomAD compares: African/African-American, 0.008%; no homozygotes.

Submission:

Labcorp Genetics (formerly Invitae), Labcorp
Classification: Uncertain significance. Last evaluated: 2022-07-03. Review status: criteria provided, single submitter. Criteria: Invitae Variant Classification Sherloc (09022015). Collection method: clinical testing. Allele origin: germline.
Comment: This sequence change replaces glutamic acid, which is acidic and polar, with glycine, which is neutral and non-polar, at codon 1071 of the COL18A1 protein (p.Glu1071Gly). The frequency data for this variant in the population databases is considered unreliable, as metrics indicate poor data quality at this position in the gnomAD database. This variant has not been reported in the literature in individuals affected with COL18A1-related conditions. Experimental studies and prediction algorithms are not available or were not evaluated, and the functional significance of this variant is currently unknown. In summary, the available evidence is currently insufficient to determine the role of this variant in disease. Therefore, it has been classified as a Variant of Uncertain Significance.

NM_001379500.1(COL18A1):c.3221A>G (p.Glu1074Gly)

Genes: COL18A1 (collagen type XVIII alpha 1 chain; plus strand), SLC19A1 (solute carrier family 19 member 1; minus strand). Cytogenetic location: 21q22.3.
Variant type: single nucleotide variant.
Coding change: c.3221A>G on transcript NM_001379500.1 (MANE Select); coding-DNA position 3221, A replaced by G.
Protein change: p.Glu1074Gly; replaces glutamic acid 1074 with glycine.
Molecular consequence: missense variant.
Genome position (GRCh38, 1-based): chr21:45,507,565, A>G. VCF-style: chr21-45507565-A-G. GRCh37 (hg19) VCF-style: chr21-46927479-A-G.
Other names: c.3752A>G, p.Glu1251Gly (NM_030582.4); c.4457A>G, p.Glu1486Gly (NM_130444.3); short protein forms E1074G, E1486G, E1251G.
Identifiers: ClinVar variation 1950456 (VCV001950456.2), dbSNP rs1008210914, ClinGen allele CA321922527.
Genomic context (GRCh38, chr21:45,507,565, plus strand): 5'-GCACCCTGGCTCAGGCCCAGCCGCAGGTCCTGGGTGACCCTGCTGCTTTCTTCCAGCTGG[A>G]GGCCCGGACACCACTCCCACGAGGGACGGTAAGGAGCCTTTTTTCTGTTGAGACTGGTGG-3'
Protein context (NP_001366429.1, residues 1064-1084): VQNGFRKVQL[Glu1074Gly]ARTPLPRGTD